The following is an entry in ClinVar:

ClinVar aggregate classification (germline): Uncertain significance (1 of 4 stars; one submission).

Conditions:
Congenital contractural arachnodactyly (CCA). Also called: BEALS SYNDROME; Arthrogryposis, distal, type 9; Beals-Hecht syndrome. Identifiers: Orphanet 115, MedGen C0220668, MONDO:0007363, OMIM 121050.

Submission:

Labcorp Genetics (formerly Invitae), Labcorp
Classification: Uncertain significance for Congenital contractural arachnodactyly. Last evaluated: 2025-07-13. Review status: criteria provided, single submitter. Criteria: Invitae Variant Classification Sherloc (09022015). Collection method: clinical testing. Allele origin: germline.
Comment: This sequence change replaces serine, which is neutral and polar, with threonine, which is neutral and polar, at codon 1448 of the FBN2 protein (p.Ser1448Thr). This variant is not present in population databases (gnomAD no frequency). This variant has not been reported in the literature in individuals affected with FBN2-related conditions. Invitae Evidence Modeling of protein sequence and biophysical properties (such as structural, functional, and spatial information, amino acid conservation, physicochemical variation, residue mobility, and thermodynamic stability) indicates that this missense variant is not expected to disrupt FBN2 protein function with a negative predictive value of 80%. In summary, the available evidence is currently insufficient to determine the role of this variant in disease. Therefore, it has been classified as a Variant of Uncertain Significance.

NM_001999.4(FBN2):c.4342T>A (p.Ser1448Thr)

Gene: FBN2 (fibrillin 2; minus strand). Cytogenetic location: 5q23.3.
Variant type: single nucleotide variant.
Coding change: c.4342T>A on transcript NM_001999.4 (MANE Select); coding-DNA position 4342, T replaced by A.
Protein change: p.Ser1448Thr; replaces serine 1448 with threonine.
Molecular consequence: missense variant.
Genome position (GRCh38, 1-based): chr5:128,330,576, A>T on the plus strand (T>A on the coding strand, the complement: FBN2 is on the minus strand). VCF-style: chr5-128330576-A-T. GRCh37 (hg19) VCF-style: chr5-127666268-A-T.
Other names: short protein forms S1448T.
Identifiers: ClinVar variation 4752313 (VCV004752313.1).